The following is an entry in ClinVar:

ClinVar aggregate classification (germline): Uncertain significance (1 of 4 stars; one submission).

Allele frequency attached by ClinVar (database versions not stated): gnomAD exomes 0.00003 and 0.00006; TOPMed 0.00003; gnomAD 0.00005 and 0.00006; ExAC 0.00007.

Submission:

Labcorp Genetics (formerly Invitae), Labcorp
Classification: Uncertain significance. Last evaluated: 2022-07-19. Review status: criteria provided, single submitter. Criteria: Invitae Variant Classification Sherloc (09022015). Collection method: clinical testing. Allele origin: germline.
Comment: This sequence change replaces asparagine, which is neutral and polar, with serine, which is neutral and polar, at codon 323 of the GPAA1 protein (p.Asn323Ser). This variant is present in population databases (rs200104667, gnomAD 0.02%). This missense change has been observed in individual(s) with vascular anomalies (PMID: 32533362). ClinVar contains an entry for this variant (Variation ID: 1382126). Algorithms developed to predict the effect of missense changes on protein structure and function (SIFT, PolyPhen-2, Align-GVGD) all suggest that this variant is likely to be tolerated. Experimental studies have shown that this missense change affects GPAA1 function (PMID: 32533362). Algorithms developed to predict the effect of sequence changes on RNA splicing suggest that this variant may create or strengthen a splice site. In summary, the available evidence is currently insufficient to determine the role of this variant in disease. Therefore, it has been classified as a Variant of Uncertain Significance.

Literature cited by the submitters: PubMed 32533362.

NM_003801.4(GPAA1):c.968A>G (p.Asn323Ser)

Gene: GPAA1 (glycosylphosphatidylinositol anchor attachment 1; plus strand). Cytogenetic location: 8q24.3.
Variant type: single nucleotide variant.
Coding change: c.968A>G on transcript NM_003801.4 (MANE Select); coding-DNA position 968, A replaced by G.
Protein change: p.Asn323Ser; replaces asparagine 323 with serine.
Molecular consequence: missense variant.
Genome position (GRCh38, 1-based): chr8:144,084,567, A>G. VCF-style: chr8-144084567-A-G. GRCh37 (hg19) VCF-style: chr8-145139470-A-G.
Other names: short protein forms N323S.
Identifiers: ClinVar variation 1382126 (VCV001382126.5), dbSNP rs200104667, ClinGen allele CA4932985.
Genomic context (GRCh38, chr8:144,084,567, plus strand): 5'-ACGGCTCCCATGGCCTCTTCCTGCGCTACCGTGTGGAGGCCCTAACCCTGCGTGGCATCA[A>G]TAGCTTCCGCCAGTACAAGTATGACCTGGTGGCAGTGGGCAAGTAAGTAGTCTCTGGTCC-3'
Protein context (NP_003792.1, residues 313-333): RVEALTLRGI[Asn323Ser]SFRQYKYDLV